The following is an entry in ClinVar:

ClinVar aggregate classification (germline): Conflicting classifications of pathogenicity. Review status: criteria provided, conflicting classifications (1 of 4 stars). 2 submissions from 2 submitters: Uncertain significance (1); Likely benign (1). Last evaluated 2025-04-16.

Conditions:
Familial thoracic aortic aneurysm and aortic dissection (TAAD). Also called: Thoracic aortic aneurysms and dissections. Identifiers: Orphanet 91387, MedGen C4707243, MONDO:0019625.

Allele frequency attached by ClinVar (database versions not stated): gnomAD exomes below 0.00001 and 0.00001.
gnomAD v4.1: 4 of 1,210,105 alleles (0.00033%); highest among the groups gnomAD compares: Admixed American, 0.0044%; no homozygotes.

Submissions (2):

Ambry Genetics
Classification: Likely benign for Familial thoracic aortic aneurysm and aortic dissection. Last evaluated: 2025-04-16. Review status: criteria provided, single submitter. Criteria: Ambry Variant Classification Scheme 2023. Collection method: clinical testing. Allele origin: germline.

GeneDx
Classification: Uncertain significance. Last evaluated: 2023-03-08. Review status: criteria provided, single submitter. Criteria: GeneDx Variant Classification Process June 2021. Collection method: clinical testing. Allele origin: germline. Affected: yes.
Comment: In silico analysis supports that this missense variant does not alter protein structure/function; Has not been previously published as pathogenic or benign to our knowledge

NM_001110556.2(FLNA):c.3148G>A (p.Val1050Met)

Gene: FLNA (filamin A; minus strand). Cytogenetic location: Xq28.
Variant type: single nucleotide variant.
Coding change: c.3148G>A on transcript NM_001110556.2 (MANE Select); coding-DNA position 3148, G replaced by A.
Protein change: p.Val1050Met; replaces valine 1050 with methionine.
Molecular consequence: missense variant.
Genome position (GRCh38, 1-based): chrX:154,361,367, C>T on the plus strand (G>A on the coding strand, the complement: FLNA is on the minus strand). VCF-style: chrX-154361367-C-T. GRCh37 (hg19) VCF-style: chrX-153589735-C-T.
Other names: c.3148G>A, p.Val1050Met (NM_001456.4); short protein forms V1050M.
Identifiers: ClinVar variation 391992 (VCV000391992.4), dbSNP rs1057524317, ClinGen allele CA16608780.
Genomic context (GRCh38, chrX:154,361,367, plus strand): 5'-CCTTGCTAGGCTTGGTGGGGGCCACAGCTTCCAGAGGAAAGGGGCTGCCAGGCACGGGCA[C>T]GCCGTCATAGGTCACCTCCACCTCATAGGGCCCTTCCTCACGGGGCAGGAAGCGCACCAC-3'
Protein context (NP_001104026.1, residues 1040-1060): PYEVEVTYDG[Val1050Met]PVPGSPFPLE